The following is an entry in ClinVar:

NM_001379500.1(COL18A1):c.3006C>G (p.His1002Gln)

Genes: COL18A1 (collagen type XVIII alpha 1 chain; plus strand), SLC19A1 (solute carrier family 19 member 1; minus strand). Cytogenetic location: 21q22.3.
Variant type: single nucleotide variant.
Coding change: c.3006C>G on transcript NM_001379500.1 (MANE Select); coding-DNA position 3006, C replaced by G.
Protein change: p.His1002Gln; replaces histidine 1002 with glutamine.
Molecular consequence: missense variant.
Genome position (GRCh38, 1-based): chr21:45,505,271, C>G. VCF-style: chr21-45505271-C-G. GRCh37 (hg19) VCF-style: chr21-46925185-C-G.
Other names: c.3537C>G, p.His1179Gln (NM_030582.4); c.4242C>G, p.His1414Gln (NM_130444.3); short protein forms H1414Q, H1002Q, H1179Q.
Identifiers: ClinVar variation 1366161 (VCV001366161.5), dbSNP rs772897606, ClinGen allele CA10067604.

ClinVar aggregate classification (germline): Uncertain significance (1 of 4 stars; one submission).

Allele frequency attached by ClinVar (database versions not stated): ExAC 0.00001; gnomAD exomes 0.00001; TOPMed 0.00001.
gnomAD v4.1: 3 of 1,608,214 alleles (0.00019%); highest among the groups gnomAD compares: Admixed American, 0.0033%; no homozygotes.

Submission:

Labcorp Genetics (formerly Invitae), Labcorp
Classification: Uncertain significance. Last evaluated: 2024-10-17. Review status: criteria provided, single submitter. Criteria: Invitae Variant Classification Sherloc (09022015). Collection method: clinical testing. Allele origin: germline.
Comment: This sequence change replaces histidine, which is basic and polar, with glutamine, which is neutral and polar, at codon 999 of the COL18A1 protein (p.His999Gln). This variant is present in population databases (rs772897606, gnomAD 0.003%). This variant has not been reported in the literature in individuals affected with COL18A1-related conditions. ClinVar contains an entry for this variant (Variation ID: 1366161). Experimental studies and prediction algorithms are not available or were not evaluated, and the functional significance of this variant is currently unknown. In summary, the available evidence is currently insufficient to determine the role of this variant in disease. Therefore, it has been classified as a Variant of Uncertain Significance.